The following is an entry in ClinVar:

ClinVar aggregate classification (germline): Uncertain significance (1 of 4 stars; one submission).

Conditions:
Neuronal ceroid lipofuscinosis 11. Also called: GRN-Related Neuronal Ceroid-Lipofuscinosis. Identifiers: Orphanet 314629, Orphanet 79262, MedGen C3539123, MONDO:0013866, OMIM 614706.
GRN-related frontotemporal lobar degeneration with Tdp43 inclusions (FTD2). Also called: DEMENTIA, HEREDITARY DYSPHASIC DISINHIBITION; FRONTOTEMPORAL LOBAR DEGENERATION WITH UBIQUITIN-POSITIVE INCLUSIONS; FTLD-TDP, GRN-RELATED; GRN Frontotemporal Dementia; FRONTOTEMPORAL DEMENTIA WITH TDP43 INCLUSIONS, GRN-RELATED. Identifiers: Orphanet 100070, Orphanet 282, MedGen C1843792, MONDO:0011842, OMIM 607485. Disease mechanism: loss of function.

Submission:

Labcorp Genetics (formerly Invitae), Labcorp
Classification: Uncertain significance for Neuronal ceroid lipofuscinosis 11; GRN-related frontotemporal lobar degeneration with Tdp43 inclusions. Last evaluated: 2021-10-21. Review status: criteria provided, single submitter. Criteria: Invitae Variant Classification Sherloc (09022015). Collection method: clinical testing. Allele origin: germline.
Comment: This sequence change replaces valine with phenylalanine at codon 143 of the GRN protein (p.Val143Phe). The valine residue is weakly conserved and there is a small physicochemical difference between valine and phenylalanine. This variant is not present in population databases (ExAC no frequency). This variant has not been reported in the literature in individuals affected with GRN-related conditions. Algorithms developed to predict the effect of missense changes on protein structure and function (SIFT, PolyPhen-2, Align-GVGD) all suggest that this variant is likely to be tolerated. In summary, the available evidence is currently insufficient to determine the role of this variant in disease. Therefore, it has been classified as a Variant of Uncertain Significance.

NM_002087.4(GRN):c.427G>T (p.Val143Phe)

Gene: GRN (granulin precursor; plus strand). Cytogenetic location: 17q21.31.
Variant type: single nucleotide variant.
Coding change: c.427G>T on transcript NM_002087.4 (MANE Select); coding-DNA position 427, G replaced by T.
Protein change: p.Val143Phe; replaces valine 143 with phenylalanine.
Molecular consequence: missense variant.
Genome position (GRCh38, 1-based): chr17:44,350,305, G>T. VCF-style: chr17-44350305-G-T. GRCh37 (hg19) VCF-style: chr17-42427673-G-T.
Other names: short protein forms V143F.
Identifiers: ClinVar variation 1422172 (VCV001422172.6), dbSNP rs1194653265, ClinGen allele CA399763030.